The following is an entry in ClinVar:

ClinVar aggregate classification (germline): Pathogenic (1 of 4 stars; one submission).

Submission:

GeneDx
Classification: Pathogenic. Last evaluated: 2026-03-25. Review status: criteria provided, single submitter. Criteria: GeneDx Variant Classification Process June 2021. Collection method: clinical testing. Allele origin: germline.
Comment: Not observed at significant frequency in large population cohorts (gnomAD); In silico analysis supports that this missense variant has a deleterious effect on protein structure/function; This variant is associated with the following publications: (PMID: 34011629, 28714951, 28867142, 25363768, 35982160, 28191890, 31785789, 35982159, 27824329)

NM_001273.5(CHD4):c.2612T>C (p.Ile871Thr)

Gene: CHD4 (chromodomain helicase DNA binding protein 4; minus strand). Cytogenetic location: 12p13.31.
Variant type: single nucleotide variant.
Coding change: c.2612T>C on transcript NM_001273.5 (MANE Select); coding-DNA position 2612, T replaced by C.
Protein change: p.Ile871Thr; replaces isoleucine 871 with threonine.
Molecular consequence: missense variant.
Genome position (GRCh38, 1-based): chr12:6,593,131, A>G on the plus strand (T>C on the coding strand, the complement: CHD4 is on the minus strand). VCF-style: chr12-6593131-A-G. GRCh37 (hg19) VCF-style: chr12-6702297-A-G.
Other names: c.2573T>C, p.Ile858Thr (NM_001363606.2); c.2591T>C, p.Ile864Thr (NM_001297553.2); short protein forms I858T, I864T, I871T.
Identifiers: ClinVar variation 5018448 (VCV005018448.1).